The following is an entry in ClinVar:

NM_000465.4(BARD1):c.1154A>G (p.Asp385Gly)

Gene: BARD1 (BRCA1 associated RING domain 1; minus strand). Cytogenetic location: 2q35.
Variant type: single nucleotide variant.
Coding change: c.1154A>G on transcript NM_000465.4 (MANE Select); coding-DNA position 1154, A replaced by G.
Protein change: p.Asp385Gly; replaces aspartic acid 385 with glycine.
Molecular consequence: missense variant. On other transcripts: intron variant (3), non-coding transcript variant (2).
Genome position (GRCh38, 1-based): chr2:214,780,720, T>C on the plus strand (A>G on the coding strand, the complement: BARD1 is on the minus strand). VCF-style: chr2-214780720-T-C. GRCh37 (hg19) VCF-style: chr2-215645444-T-C.
Other names: c.215+16341A>G (NM_001282545.2); c.364+11577A>G (NM_001282549.2); c.1097A>G, p.Asp366Gly (NM_001282543.2); c.159-28165A>G (NM_001282548.2); short protein forms D366G, D385G.
Identifiers: ClinVar variation 1722107 (VCV001722107.5), dbSNP rs1694956218, ClinGen allele CA350453953.

ClinVar aggregate classification (germline): Uncertain significance (1 of 4 stars; one submission).

Conditions:
Familial cancer of breast. Also called: hereditary breast carcinoma; BREAST CANCER, FAMILIAL; Hereditary breast cancer. Identifiers: Orphanet 227535, MedGen C0346153, MONDO:0016419, OMIM 114480. Disease mechanism: loss of function.

Allele frequency attached by ClinVar (database versions not stated): gnomAD 0.00001.
gnomAD v4.1: 1 of 1,613,960 alleles (0.000062%); highest among the groups gnomAD compares: South Asian, 0.0011%; no homozygotes.

Submission:

Labcorp Genetics (formerly Invitae), Labcorp
Classification: Uncertain significance for Familial cancer of breast. Last evaluated: 2022-10-24. Review status: criteria provided, single submitter. Criteria: Invitae Variant Classification Sherloc (09022015). Collection method: clinical testing. Allele origin: germline.
Comment: Algorithms developed to predict the effect of missense changes on protein structure and function (SIFT, PolyPhen-2, Align-GVGD) all suggest that this variant is likely to be tolerated. This sequence change replaces aspartic acid, which is acidic and polar, with glycine, which is neutral and non-polar, at codon 385 of the BARD1 protein (p.Asp385Gly). This variant is not present in population databases (gnomAD no frequency). This variant has not been reported in the literature in individuals affected with BARD1-related conditions. In summary, the available evidence is currently insufficient to determine the role of this variant in disease. Therefore, it has been classified as a Variant of Uncertain Significance.